The following is an entry in ClinVar:

NM_001271.4(CHD2):c.62+196T>G

Gene: CHD2 (chromodomain helicase DNA binding protein 2; plus strand). Cytogenetic location: 15q26.1.
Variant type: single nucleotide variant.
Coding change: c.62+196T>G on transcript NM_001271.4 (MANE Select); 196 bases into the intron after coding-DNA position 62, T replaced by G.
Molecular consequence: intron variant.
Genome position (GRCh38, 1-based): chr15:92,901,495, T>G. VCF-style: chr15-92901495-T-G. GRCh37 (hg19) VCF-style: chr15-93444725-T-G.
Other names: c.62+196T>G (NM_001042572.3).
Identifiers: ClinVar variation 4856238 (VCV004856238.1).

ClinVar aggregate classification (germline): Uncertain significance (1 of 4 stars; one submission).

Conditions:
Developmental and epileptic encephalopathy 94 (DEE94). Also called: Epileptic encephalopathy, childhood-onset; CHD2-Related Neurodevelopmental Disorders. Identifiers: Orphanet 1942, Orphanet 2382, MedGen C3809278, MONDO:0014150, OMIM 615369.

Submission:

3billion
Classification: Uncertain significance for Developmental and epileptic encephalopathy 94. Last evaluated: 2025-12-19. Review status: criteria provided, single submitter. Criteria: ACMG Guidelines, 2015. Collection method: clinical testing. Allele origin: germline. Affected: yes.
Comment: The variant is not observed in the gnomAD v4.1.0 dataset. Predicted Consequence/Location: Intron variant In silico tools predict the variant to alter splicing and produce an abnormal transcript [SpliceAI: 0.39 (>=0.2, moderate evidence for spliceogenicity)]. Therefore, this variant is classified as VUS according to the recommendation of ACMG/AMP guideline.